The following is an entry in ClinVar:

NM_001136035.4(TRMT1):c.1275G>A (p.Ser425=)

Gene: TRMT1 (tRNA methyltransferase 1; minus strand). Cytogenetic location: 19p13.13.
Variant type: single nucleotide variant.
Coding change: c.1275G>A on transcript NM_001136035.4 (MANE Select); coding-DNA position 1275, G replaced by A.
Protein change: p.Ser425=; no amino-acid change (serine 425 retained).
Molecular consequence: synonymous variant.
Genome position (GRCh38, 1-based): chr19:13,109,586, C>T on the plus strand (G>A on the coding strand, the complement: TRMT1 is on the minus strand). VCF-style: chr19-13109586-C-T. GRCh37 (hg19) VCF-style: chr19-13220400-C-T.
Other names: c.1275G>A, p.Ser425= (NM_017722.5); c.1188G>A, p.Ser396= (NM_001142554.3, NM_001351760.2); c.1167G>A, p.Ser389= (NM_001351761.2); c.492G>A, p.Ser164= (NM_001351762.2).
Identifiers: ClinVar variation 2649366 (VCV002649366.24), dbSNP rs755464364, ClinGen allele CA9237703.

ClinVar aggregate classification (germline): Likely benign (1 of 4 stars; one submission).

Allele frequency attached by ClinVar (database versions not stated): gnomAD 0.00001; TOPMed 0.00001; ExAC 0.00002; gnomAD exomes 0.00002.
gnomAD v4.1: 38 of 1,613,910 alleles (0.0024%); highest among the groups gnomAD compares: South Asian, 0.0066%; no homozygotes.

Submission:

CeGaT Center for Human Genetics Tuebingen
Classification: Likely benign. Last evaluated: 2023-08-01. Review status: criteria provided, single submitter. Criteria: CeGaT Center For Human Genetics Tuebingen Variant Classification Criteria Version 2. Collection method: clinical testing. Allele origin: germline. Affected: yes. Observed: 1 variant allele.
Comment: TRMT1: BP7